The following is an entry in ClinVar:

NM_001083614.2(EARS2):c.139+7C>T

Genes: EARS2 (glutamyl-tRNA synthetase 2, mitochondrial; minus strand), LOC130058664 (ATAC-STARR-seq lymphoblastoid active region 10583; plus strand). Cytogenetic location: 16p12.2.
Variant type: single nucleotide variant.
Coding change: c.139+7C>T on transcript NM_001083614.2 (MANE Select); 7 bases into the intron after coding-DNA position 139, C replaced by T.
Molecular consequence: intron variant.
Genome position (GRCh38, 1-based): chr16:23,557,198, G>A on the plus strand (C>T on the coding strand, the complement: EARS2 is on the minus strand). VCF-style: chr16-23557198-G-A. GRCh37 (hg19) VCF-style: chr16-23568519-G-A.
Other names: p.?; c.139+7C>T (NM_001308211.1).
Identifiers: ClinVar variation 4684084 (VCV004684084.1).

ClinVar aggregate classification (germline): Likely benign (1 of 4 stars; one submission).

gnomAD v4.1: 3 of 1,509,852 alleles (0.0002%); highest among the groups gnomAD compares: Non-Finnish European, 0.00026%; no homozygotes.

Submission:

Mayo Clinic Laboratories, Mayo Clinic
Classification: Likely benign. Last evaluated: 2025-10-08. Review status: criteria provided, single submitter. Criteria: ACMG Guidelines, 2015. Collection method: clinical testing. Allele origin: germline. Observed: 1 variant allele.
Comment: BP4, BP7